The following is an entry in ClinVar:

NM_000262.3(NAGA):c.655C>T (p.Gln219Ter)

Gene: NAGA (alpha-N-acetylgalactosaminidase; minus strand). Cytogenetic location: 22q13.2.
Variant type: single nucleotide variant.
Coding change: c.655C>T on transcript NM_000262.3 (MANE Select); coding-DNA position 655, C replaced by T.
Protein change: p.Gln219Ter; replaces glutamine 219 with a stop codon.
Molecular consequence: nonsense.
Genome position (GRCh38, 1-based): chr22:42,065,842, G>A on the plus strand (C>T on the coding strand, the complement: NAGA is on the minus strand). VCF-style: chr22-42065842-G-A. GRCh37 (hg19) VCF-style: chr22-42461846-G-A.
Other names: c.655C>T, p.Gln219Ter (NM_001362848.1, NM_001362850.1); short protein forms Q219*.
Identifiers: ClinVar variation 2867375 (VCV002867375.3), dbSNP rs1336799721, ClinGen allele CA411768289.

ClinVar aggregate classification (germline): Pathogenic (1 of 4 stars; one submission).

Conditions:
Alpha-N-acetylgalactosaminidase deficiency type 1. Also called: SCHINDLER DISEASE, TYPE I; ALPHA-N-ACETYLGALACTOSAMINIDASE DEFICIENCY, TYPE I; NAGA DEFICIENCY, TYPE I; NEUROAXONAL DYSTROPHY, SCHINDLER TYPE. Identifiers: Orphanet 3137, Orphanet 79279, Orphanet 79281, MedGen C1836544, MONDO:0012221, OMIM 609241.

Submission:

Labcorp Genetics (formerly Invitae), Labcorp
Classification: Pathogenic for Alpha-N-acetylgalactosaminidase deficiency type 1. Last evaluated: 2023-07-14. Review status: criteria provided, single submitter. Criteria: Invitae Variant Classification Sherloc (09022015). Collection method: clinical testing. Allele origin: germline.
Comment: For these reasons, this variant has been classified as Pathogenic. This variant has not been reported in the literature in individuals affected with NAGA-related conditions. This variant is not present in population databases (gnomAD no frequency). This sequence change creates a premature translational stop signal (p.Gln219*) in the NAGA gene. It is expected to result in an absent or disrupted protein product. Loss-of-function variants in NAGA are known to be pathogenic (PMID: 8782044, 11251574).

Literature cited by the submitters: PubMed 8782044; PubMed 11251574.